The following is an entry in ClinVar:

ClinVar aggregate classification (germline): Benign. Review status: criteria provided, multiple submitters, no conflicts (2 of 4 stars). 2 submissions from 2 submitters: Benign (2). Last evaluated 2018-06-19.

Allele frequency attached by ClinVar (database versions not stated): gnomAD 0.18056 and 0.18172; TOPMed 0.18620; 1000 Genomes Project 0.22923; 1000 Genomes Project 30x 0.22954.
gnomAD v4.1: 165,659 of 1,070,084 alleles (15%); highest among the groups gnomAD compares: East Asian, 34%; 14,613 homozygotes.

Submissions (2):

GeneDx
Classification: Benign. Last evaluated: 2018-06-19. Review status: criteria provided, single submitter. Criteria: GeneDx Variant Classification (06012015). Collection method: clinical testing. Allele origin: germline. Affected: yes.
Comment: This variant is considered likely benign or benign based on one or more of the following criteria: it is a conservative change, it occurs at a poorly conserved position in the protein, it is predicted to be benign by multiple in silico algorithms, and/or has population frequency not consistent with disease.

Breakthrough Genomics
Classification: Benign. Review status: criteria provided, single submitter. Criteria: ACMG Guidelines, 2015. Collection method: not provided. Allele origin: germline. Inheritance: Autosomal recessive inheritance. Affected: yes.

NM_005506.4(SCARB2):c.118-79C>T

Gene: SCARB2 (scavenger receptor class B member 2; minus strand). Cytogenetic location: 4q21.1.
Variant type: single nucleotide variant.
Coding change: c.118-79C>T on transcript NM_005506.4 (MANE Select); 79 bases into the intron before coding-DNA position 118, C replaced by T.
Molecular consequence: intron variant.
Genome position (GRCh38, 1-based): chr4:76,195,943, G>A on the plus strand (C>T on the coding strand, the complement: SCARB2 is on the minus strand). VCF-style: chr4-76195943-G-A. GRCh37 (hg19) VCF-style: chr4-77117096-G-A.
Other names: c.118-79C>T (NM_001204255.2).
Identifiers: ClinVar variation 670735 (VCV000670735.2), dbSNP rs3733259, ClinGen allele CA15298860.